The following is an entry in ClinVar:

NM_021096.4(CACNA1I):c.6403C>G (p.Leu2135Val)

Gene: CACNA1I (calcium voltage-gated channel subunit alpha1 I; plus strand). Cytogenetic location: 22q13.1.
Variant type: single nucleotide variant.
Coding change: c.6403C>G on transcript NM_021096.4 (MANE Select); coding-DNA position 6403, C replaced by G.
Protein change: p.Leu2135Val; replaces leucine 2135 with valine.
Molecular consequence: missense variant.
Genome position (GRCh38, 1-based): chr22:39,686,136, C>G. VCF-style: chr22-39686136-C-G. GRCh37 (hg19) VCF-style: chr22-40082141-C-G.
Other names: c.6298C>G, p.Leu2100Val (NM_001003406.2); short protein forms L2100V, L2135V.
Identifiers: ClinVar variation 4278820 (VCV004278820.1).

ClinVar aggregate classification (germline): Uncertain significance (1 of 4 stars; one submission).

Submission:

GeneDx
Classification: Uncertain significance. Last evaluated: 2025-04-03. Review status: criteria provided, single submitter. Criteria: GeneDx Variant Classification Process June 2021. Collection method: clinical testing. Allele origin: germline. Affected: yes.
Comment: Not observed at significant frequency in large population cohorts (gnomAD); In silico analysis indicates that this missense variant does not alter protein structure/function; Has not been previously published as pathogenic or benign to our knowledge